The following is an entry in ClinVar:

NM_004260.4(RECQL4):c.1614_1620+14del

Gene: RECQL4 (RecQ like helicase 4; minus strand). Cytogenetic location: 8q24.3.
Variant type: Deletion.
Coding change: c.1614_1620+14del on transcript NM_004260.4 (MANE Select); coding-DNA position 1614 through 14 bases into the intron after coding-DNA position 1620, 21 bases deleted (TGACCAGGTGTGCACACAGGG).
Molecular consequence: splice donor variant.
Genome position (GRCh38, 1-based): chr8:144,514,922-144,514,942, CCCTGTGTGCACACCTGGTCA deleted on the plus strand (TGACCAGGTGTGCACACAGGG on the coding strand, the reverse complement: RECQL4 is on the minus strand). VCF-style (leftmost placement, unchanged base first): chr8-144514921-GCCCTGTGTGCACACCTGGTCA-G. GRCh37 (hg19) VCF-style: chr8-145740305-GCCCTGTGTGCACACCTGGTCA-G.
Identifiers: ClinVar variation 2105837 (VCV002105837.4), dbSNP rs2538052211, ClinGen allele CA2580078797.
Genomic context (GRCh38, chr8:144,514,921, plus strand): 5'-AGCAGCAGTTGCCCTTGGGAGTCACAAGTGCTGGTTCTTGGCTGTGTACGTGTGCCCAGG[GCCCTGTGTGCACACCTGGTCA>G]TCCATGAGTGACAGCAGGGGAGAGACGACCAACGTGAGGCAGGGGCTGCGCCGGCTGTAG-3'

ClinVar aggregate classification (germline): Likely pathogenic (1 of 4 stars; one submission).

Conditions:
Baller-Gerold syndrome (BGS). Also called: CRANIOSYNOSTOSIS WITH RADIAL DEFECTS. Identifiers: Orphanet 1225, MedGen C0265308, MONDO:0009039, OMIM 218600.

Submission:

Labcorp Genetics (formerly Invitae), Labcorp
Classification: Likely pathogenic for Baller-Gerold syndrome. Last evaluated: 2022-03-02. Review status: criteria provided, single submitter. Criteria: Invitae Variant Classification Sherloc (09022015). Collection method: clinical testing. Allele origin: germline.
Comment: Disruption of this splice site has been observed in individual(s) with clinical features of RECQL4-related conditions (Invitae). This variant is not present in population databases (gnomAD no frequency). This sequence change affects a donor splice site in intron 9 of the RECQL4 gene. It is expected to disrupt RNA splicing. Variants that disrupt the donor or acceptor splice site typically lead to a loss of protein function (PMID: 16199547), and loss-of-function variants in RECQL4 are known to be pathogenic (PMID: 12734318, 12952869). Variants that disrupt the consensus splice site are a relatively common cause of aberrant splicing (PMID: 17576681, 9536098). Algorithms developed to predict the effect of sequence changes on RNA splicing suggest that this variant may disrupt the consensus splice site. In summary, the currently available evidence indicates that the variant is pathogenic, but additional data are needed to prove that conclusively. Therefore, this variant has been classified as Likely Pathogenic.

Literature cited by the submitters: PubMed 16199547; PubMed 12734318; PubMed 12952869; PubMed 17576681; PubMed 9536098.